The following is an entry in ClinVar:

ClinVar aggregate classification (germline): Pathogenic (1 of 4 stars; one submission).

Submission:

Labcorp Genetics (formerly Invitae), Labcorp
Classification: Pathogenic. Last evaluated: 2025-09-29. Review status: criteria provided, single submitter. Criteria: Invitae Variant Classification Sherloc (09022015). Collection method: clinical testing. Allele origin: germline.
Comment: This sequence change creates a premature translational stop signal (p.Ser606Valfs*29) in the SLC26A4 gene. It is expected to result in an absent or disrupted protein product. Loss-of-function variants in SLC26A4 are known to be pathogenic (PMID: 16283880, 25394566, 26252218, 26445815). The frequency data for this variant in the population databases is considered unreliable, as metrics indicate poor data quality at this position in the gnomAD database. This variant has not been reported in the literature in individuals affected with SLC26A4-related conditions. ClinVar contains an entry for this variant (Variation ID: 1369855). For these reasons, this variant has been classified as Pathogenic.

Literature cited by the submitters: PubMed 16283880; PubMed 25394566; PubMed 26252218; PubMed 26445815.

NM_000441.2(SLC26A4):c.1816del (p.Ser606fs)

Gene: SLC26A4 (solute carrier family 26 member 4; plus strand). Cytogenetic location: 7q22.3.
Variant type: Deletion.
Coding change: c.1816del on transcript NM_000441.2 (MANE Select); coding-DNA position 1816, one base deleted (A; older notation c.1816delA).
Protein change: p.Ser606fs; shifts the reading frame from serine 606.
Molecular consequence: frameshift variant.
Genome position (GRCh38, 1-based): chr7:107,701,839, A deleted; the last of 2 consecutive A bases (chr7:107,701,838-107,701,839); deleting either gives the same sequence. VCF-style (leftmost placement, unchanged base first): chr7-107701837-TA-T. GRCh37 (hg19) VCF-style: chr7-107342282-TA-T.
Other names: short protein forms S606fs.
Identifiers: ClinVar variation 1369855 (VCV001369855.6), dbSNP rs1185664659, ClinGen allele CA577198948.